The following is an entry in ClinVar:

NM_000055.4(BCHE):c.101T>A (p.Ile34Asn)

Gene: BCHE (butyrylcholinesterase; minus strand). Cytogenetic location: 3q26.1.
Variant type: single nucleotide variant.
Coding change: c.101T>A on transcript NM_000055.4 (MANE Select); coding-DNA position 101, T replaced by A.
Protein change: p.Ile34Asn; replaces isoleucine 34 with asparagine.
Molecular consequence: missense variant. On other transcripts: non-coding transcript variant (1).
Genome position (GRCh38, 1-based): chr3:165,830,933, A>T on the plus strand (T>A on the coding strand, the complement: BCHE is on the minus strand). VCF-style: chr3-165830933-A-T. GRCh37 (hg19) VCF-style: chr3-165548721-A-T.
Other names: short protein forms I34N.
Identifiers: ClinVar variation 4979888 (VCV004979888.1).
Genomic context (GRCh38, chr3:165,830,933, plus strand): 5'-GTTACCGTGCCACCAAAAACTGTCAAGTTCATCCCTCTGACTTTTCCATTCTTTGTTGCA[A>T]TTATGATGTCATCTTCAGTATGTGACTTCCCAATAAGCATGCAGAGCAAAAGAAACCAAA-3'
Protein context (NP_000046.1, residues 24-44): GKSHTEDDII[Ile34Asn]ATKNGKVRGM

ClinVar aggregate classification (germline): Uncertain significance (1 of 4 stars; one submission).

Conditions:
BCHE-related disorder. Also called: BCHE-related condition.

gnomAD v4.1: 7 of 1,613,938 alleles (0.00043%); highest among the groups gnomAD compares: Non-Finnish European, 0.00042%; no homozygotes.

Submission:

PreventionGenetics, part of Exact Sciences
Classification: Uncertain significance for BCHE-related condition. Last evaluated: 2026-07-13. Review status: criteria provided, single submitter. Criteria: ACMG Guidelines, 2015. Collection method: clinical testing. Allele origin: germline.
Comment: The BCHE c.101T>A variant is predicted to result in the amino acid substitution p.Ile34Asn. To our knowledge, this variant has not been reported in the literature or in a large population database (gnomAD), indicating this variant is rare. At this time, the clinical significance of this variant is uncertain due to the absence of conclusive functional and genetic evidence.